The following is an entry in ClinVar:

NM_000388.4(CASR):c.1377G>A (p.Gln459=)

Gene: CASR (calcium sensing receptor; plus strand). Cytogenetic location: 3q21.1.
Variant type: single nucleotide variant.
Coding change: c.1377G>A on transcript NM_000388.4 (MANE Select); coding-DNA position 1377, G replaced by A.
Protein change: p.Gln459=; no amino-acid change (glutamine 459 retained).
Molecular consequence: synonymous variant.
Genome position (GRCh38, 1-based): chr3:122,262,412, G>A. VCF-style: chr3-122262412-G-A. GRCh37 (hg19) VCF-style: chr3-121981259-G-A.
Other names: c.1377G>A, p.Gln459= (NM_001178065.2).
Identifiers: ClinVar variation 1497032 (VCV001497032.7), dbSNP rs375297380, ClinGen allele CA2569628.

ClinVar aggregate classification (germline): Uncertain significance. Review status: criteria provided, multiple submitters, no conflicts (2 of 4 stars). 2 submissions from 2 submitters: Uncertain significance (2). Last evaluated 2026-04-22.

Conditions:
Hypercalcemia. Also called: hypercalcaemia. Identifiers: MedGen C0020437, MONDO:0001566, HP:0003072.
Familial hypocalciuric hypercalcemia (FHH). Also called: Familial benign hypercalcemia. Identifiers: Orphanet 405, MedGen C1809471, MONDO:0018458.
Autosomal dominant hypocalcemia 1 (HYPOC1). Also called: HYPOCALCEMIA, FAMILIAL. Identifiers: MedGen C3715128, MONDO:0011013, OMIM 601198.

Allele frequency attached by ClinVar (database versions not stated): gnomAD exomes below 0.00001 and 0.00002; ExAC 0.00003; ESP Exome Variant Server 0.00008.
gnomAD v4.1: 4 of 1,611,028 alleles (0.00025%); highest among the groups gnomAD compares: Non-Finnish European, 0.00034%; no homozygotes.

Submissions (2):

Clinical Genetics Laboratory, Skane University Hospital Lund
Classification: Uncertain significance for Hypercalcemia. Last evaluated: 2026-04-22. Review status: criteria provided, single submitter. Criteria: ACMG Guidelines, 2015. Collection method: clinical testing. Allele origin: germline. Affected: yes.
Comment: ACMG criteria used: PM2, PP3

Labcorp Genetics (formerly Invitae), Labcorp
Classification: Uncertain significance for Familial hypocalciuric hypercalcemia; Autosomal dominant hypocalcemia 1. Last evaluated: 2022-10-28. Review status: criteria provided, single submitter. Criteria: Invitae Variant Classification Sherloc (09022015). Collection method: clinical testing. Allele origin: germline.
Comment: In summary, the available evidence is currently insufficient to determine the role of this variant in disease. Therefore, it has been classified as a Variant of Uncertain Significance. Variants that disrupt the consensus splice site are a relatively common cause of aberrant splicing (PMID: 17576681, 9536098). Algorithms developed to predict the effect of sequence changes on RNA splicing suggest that this variant may disrupt the consensus splice site. ClinVar contains an entry for this variant (Variation ID: 1497032). This variant has not been reported in the literature in individuals affected with CASR-related conditions. This variant is present in population databases (rs375297380, gnomAD 0.005%). This sequence change affects codon 459 of the CASR mRNA. It is a 'silent' change, meaning that it does not change the encoded amino acid sequence of the CASR protein. This variant also falls at the last nucleotide of exon 4, which is part of the consensus splice site for this exon.

Literature cited by the submitters: PubMed 17576681 (cited by Labcorp Genetics (formerly Invitae), Labcorp); PubMed 9536098 (cited by Labcorp Genetics (formerly Invitae), Labcorp).